The following is an entry in ClinVar:

NM_004586.3(RPS6KA3):c.345A>G (p.Thr115=)

Gene: RPS6KA3 (ribosomal protein S6 kinase A3; minus strand). Cytogenetic location: Xp22.12.
Variant type: single nucleotide variant.
Coding change: c.345A>G on transcript NM_004586.3 (MANE Select); coding-DNA position 345, A replaced by G.
Protein change: p.Thr115=; no amino-acid change (threonine 115 retained).
Molecular consequence: synonymous variant.
Genome position (GRCh38, 1-based): chrX:20,195,126, T>C on the plus strand (A>G on the coding strand, the complement: RPS6KA3 is on the minus strand). VCF-style: chrX-20195126-T-C. GRCh37 (hg19) VCF-style: chrX-20213244-T-C.
Identifiers: ClinVar variation 3026616 (VCV003026616.22), dbSNP rs2519763111, ClinGen allele CA515611840.

ClinVar aggregate classification (germline): Uncertain significance (1 of 4 stars; one submission).

Submission:

CeGaT Center for Human Genetics Tuebingen
Classification: Uncertain significance. Last evaluated: 2023-12-01. Review status: criteria provided, single submitter. Criteria: CeGaT Center For Human Genetics Tuebingen Variant Classification Criteria Version 2. Collection method: clinical testing. Allele origin: germline. Affected: yes. Observed: 1 variant allele.
Comment: RPS6KA3: PM2:Supporting, BP4